The following is an entry in ClinVar:

ClinVar aggregate classification (germline): Uncertain significance (1 of 4 stars; one submission).

Conditions:
Cataract 23 (CTRCT23). Also called: Cataract 23, multiple types; CATARACT 23, LAMELLAR. Identifiers: Orphanet 91492, MedGen C3808012, MONDO:0012489, OMIM 610425.

Allele frequency attached by ClinVar (database versions not stated): gnomAD exomes 0.00001; ExAC 0.00002; TOPMed 0.00002.
gnomAD v4.1: 19 of 1,583,848 alleles (0.0012%); highest among the groups gnomAD compares: Admixed American, 0.032%; no homozygotes.

Submission:

Labcorp Genetics (formerly Invitae), Labcorp
Classification: Uncertain significance for Cataract 23. Last evaluated: 2022-04-24. Review status: criteria provided, single submitter. Criteria: Invitae Variant Classification Sherloc (09022015). Collection method: clinical testing. Allele origin: germline.
Comment: In summary, the available evidence is currently insufficient to determine the role of this variant in disease. Therefore, it has been classified as a Variant of Uncertain Significance. Algorithms developed to predict the effect of missense changes on protein structure and function are either unavailable or do not agree on the potential impact of this missense change (SIFT: "Deleterious"; PolyPhen-2: "Benign"; Align-GVGD: "Class C65"). This variant has not been reported in the literature in individuals affected with CRYBA4-related conditions. This variant is present in population databases (rs760976886, gnomAD 0.05%), and has an allele count higher than expected for a pathogenic variant. This sequence change replaces tryptophan, which is neutral and slightly polar, with arginine, which is basic and polar, at codon 12 of the CRYBA4 protein (p.Trp12Arg).

NM_001886.3(CRYBA4):c.34T>A (p.Trp12Arg)

Gene: CRYBA4 (crystallin beta A4; plus strand). Cytogenetic location: 22q12.1.
Variant type: single nucleotide variant.
Coding change: c.34T>A on transcript NM_001886.3 (MANE Select); coding-DNA position 34, T replaced by A.
Protein change: p.Trp12Arg; replaces tryptophan 12 with arginine.
Molecular consequence: missense variant.
Genome position (GRCh38, 1-based): chr22:26,622,630, T>A. VCF-style: chr22-26622630-T-A. GRCh37 (hg19) VCF-style: chr22-27018594-T-A.
Other names: short protein forms W12R.
Identifiers: ClinVar variation 2040983 (VCV002040983.4), dbSNP rs760976886, ClinGen allele CA10165634.